The following is an entry in ClinVar:

NM_000090.4(COL3A1):c.743C>T (p.Pro248Leu)

Gene: COL3A1 (collagen type III alpha 1 chain; plus strand). Cytogenetic location: 2q32.2.
Variant type: single nucleotide variant.
Coding change: c.743C>T on transcript NM_000090.4 (MANE Select); coding-DNA position 743, C replaced by T.
Protein change: p.Pro248Leu; replaces proline 248 with leucine.
Molecular consequence: missense variant.
Genome position (GRCh38, 1-based): chr2:188,990,148, C>T. VCF-style: chr2-188990148-C-T. GRCh37 (hg19) VCF-style: chr2-189854874-C-T.
Other names: short protein forms P248L.
Identifiers: ClinVar variation 1758923 (VCV001758923.4), dbSNP rs2469118148, ClinGen allele CA349849079.

ClinVar aggregate classification (germline): Uncertain significance. Review status: criteria provided, multiple submitters, no conflicts (2 of 4 stars). 3 submissions from 3 submitters: Uncertain significance (3). Last evaluated 2026-03-17.

Conditions:
Ehlers-Danlos syndrome, type 4 (EDSVASC). Also called: Ehlers-Danlos syndrome vascular type; Ehlers Danlos syndrome, ecchymotic type; Ehlers Danlos syndrome, arterial type; Ehlers Danlos syndrome, Sack-Barabas type; Ehlers-Danlos Syndrome Type IV. Identifiers: Orphanet 286, MedGen C0268338, MONDO:0017314, OMIM 130050.
Familial thoracic aortic aneurysm and aortic dissection (TAAD). Also called: Thoracic aortic aneurysms and dissections. Identifiers: Orphanet 91387, MedGen C4707243, MONDO:0019625.

Allele frequency attached by ClinVar (database versions not stated): gnomAD exomes below 0.00001.
gnomAD v4.1: 3 of 1,613,550 alleles (0.00019%); highest among the groups gnomAD compares: Non-Finnish European, 0.00025%; no homozygotes.

Submissions (3):

Women's Health and Genetics/Laboratory Corporation of America, LabCorp
Classification: Uncertain significance. Last evaluated: 2026-03-17. Review status: criteria provided, single submitter. Criteria: LabCorp Variant Classification Summary - May 2015. Collection method: clinical testing. Allele origin: germline.
Comment: Variant summary: COL3A1 c.743C>T (p.Pro248Leu) results in a non-conservative amino acid change in the encoded protein sequence. Algorithms developed to predict the effect of missense changes on protein structure and function all suggest that this variant is likely to be disruptive. Several computational tools predict a significant impact on normal splicing: Three predict the variant weakens a 5' donor site. Two predict the variant no significant impact on splicing. However, these predictions have yet to be confirmed by functional studies. The variant was absent in 250786 control chromosomes. The available data on variant occurrences in the general population are insufficient to allow any conclusion about variant significance. To our knowledge, no occurrence of c.743C>T in individuals affected with COL3A1-related conditions and no experimental evidence demonstrating its impact on protein function have been reported. ClinVar contains an entry for this variant (Variation ID: 1758923). Based on the evidence outlined above, the variant was classified as uncertain significance.

Labcorp Genetics (formerly Invitae), Labcorp
Classification: Uncertain significance for Ehlers-Danlos syndrome, type 4. Last evaluated: 2025-10-24. Review status: criteria provided, single submitter. Criteria: Invitae Variant Classification Sherloc (09022015). Collection method: clinical testing. Allele origin: germline.
Comment: This sequence change replaces proline, which is neutral and non-polar, with leucine, which is neutral and non-polar, at codon 248 of the COL3A1 protein (p.Pro248Leu). This variant is not present in population databases (gnomAD no frequency). This variant has not been reported in the literature in individuals affected with COL3A1-related conditions. ClinVar contains an entry for this variant (Variation ID: 1758923). Experimental studies and prediction algorithms are not available or were not evaluated, and the functional significance of this variant is currently unknown. In summary, the available evidence is currently insufficient to determine the role of this variant in disease. Therefore, it has been classified as a Variant of Uncertain Significance.

Ambry Genetics
Classification: Uncertain significance for Familial thoracic aortic aneurysm and aortic dissection. Last evaluated: 2021-04-05. Review status: criteria provided, single submitter. Criteria: Ambry Variant Classification Scheme 2023. Collection method: clinical testing. Allele origin: germline.